The following is an entry in ClinVar:

ClinVar aggregate classification (germline): Likely benign. Review status: criteria provided, multiple submitters, no conflicts (2 of 4 stars). 3 submissions from 3 submitters: Likely benign (2). 1 of the submissions does not count toward it. Last evaluated 2025-12-26.

Conditions:
Neutral lipid storage myopathy (NLSDM). Also called: NEUTRAL LIPID STORAGE DISEASE WITHOUT ICHTHYOSIS. Identifiers: Orphanet 98908, MedGen C1853136, MONDO:0012545, OMIM 610717.
PNPLA2-related disorder. Also called: PNPLA2-related condition.

Allele frequency attached by ClinVar (database versions not stated): gnomAD exomes 0.00011; ExAC 0.00012; gnomAD 0.00022 and 0.00024; TOPMed 0.00030; ESP Exome Variant Server 0.00038.

Submissions (3):

Labcorp Genetics (formerly Invitae), Labcorp
Classification: Likely benign for Neutral lipid storage myopathy. Last evaluated: 2025-12-26. Review status: criteria provided, single submitter. Criteria: Invitae Variant Classification Sherloc (09022015). Collection method: clinical testing. Allele origin: germline.

Mayo Clinic Laboratories, Mayo Clinic
Classification: Likely benign. Last evaluated: 2025-09-03. Review status: criteria provided, single submitter. Criteria: ACMG Guidelines, 2015. Collection method: clinical testing. Allele origin: germline. Observed: 1 variant allele.
Comment: BP4, BP7

PreventionGenetics, part of Exact Sciences
Classification: Likely benign for PNPLA2-related condition. Last evaluated: 2020-08-20. Review status: no assertion criteria provided. Collection method: clinical testing. Allele origin: germline. Not counted in ClinVar's aggregate classification.
Comment: This variant is classified as likely benign based on ACMG/AMP sequence variant interpretation guidelines (Richards et al. 2015 PMID: 25741868, with internal and published modifications).

NM_020376.4(PNPLA2):c.360C>T (p.Arg120=)

Gene: PNPLA2 (patatin like domain 2, triacylglycerol lipase; plus strand). Cytogenetic location: 11p15.5.
Variant type: single nucleotide variant.
Coding change: c.360C>T on transcript NM_020376.4 (MANE Select); coding-DNA position 360, C replaced by T.
Protein change: p.Arg120=; no amino-acid change (arginine 120 retained).
Molecular consequence: synonymous variant.
Genome position (GRCh38, 1-based): chr11:821,800, C>T. VCF-style: chr11-821800-C-T. GRCh37 (hg19) VCF-style: chr11-821800-C-T.
Other names: p.Arg120=.
Identifiers: ClinVar variation 465793 (VCV000465793.14), dbSNP rs141674273, ClinGen allele CA5790947.